The following is an entry in ClinVar:

NM_006206.6(PDGFRA):c.2156+4G>A

Gene: PDGFRA (platelet derived growth factor receptor alpha; plus strand). Cytogenetic location: 4q12.
Variant type: single nucleotide variant.
Coding change: c.2156+4G>A on transcript NM_006206.6 (MANE Select); 4 bases into the intron after coding-DNA position 2156, G replaced by A.
Molecular consequence: intron variant.
Genome position (GRCh38, 1-based): chr4:54,278,519, G>A. VCF-style: chr4-54278519-G-A. GRCh37 (hg19) VCF-style: chr4-55144686-G-A.
Other names: c.2231+4G>A (NM_001347828.2); c.2156+4G>A (NM_001347827.2, NM_001347829.2); c.2195+4G>A (NM_001347830.2).
Identifiers: ClinVar variation 960919 (VCV000960919.10), dbSNP rs1723885245, ClinGen allele CA1139658501.
Genomic context (GRCh38, chr4:54,278,519, plus strand): 5'-GCCAAAGAAAGAGCTGGATATCTTTGGATTGAACCCTGCTGATGAAAGCACACGGAGGTG[G>A]GTGCAAAGAGAGATGTTGCTGTCTATCATTATCTTACAGGCATCACAAATGGAAAGACCC-3'

ClinVar aggregate classification (germline): Uncertain significance (1 of 4 stars; one submission).

Conditions:
Gastrointestinal stromal tumor. Also called: Gastrointestinal stromal tumor, somatic; Gastrointestinal stroma tumor. Identifiers: Orphanet 44890, MedGen C0238198, MeSH D046152, MONDO:0011719, OMIM 606764, HP:0100723.

Submission:

Labcorp Genetics (formerly Invitae), Labcorp
Classification: Uncertain significance for Gastrointestinal stromal tumor. Last evaluated: 2023-06-02. Review status: criteria provided, single submitter. Criteria: Invitae Variant Classification Sherloc (09022015). Collection method: clinical testing. Allele origin: germline.
Comment: This variant is not present in population databases (gnomAD no frequency). In summary, the available evidence is currently insufficient to determine the role of this variant in disease. Therefore, it has been classified as a Variant of Uncertain Significance. Variants that disrupt the consensus splice site are a relatively common cause of aberrant splicing (PMID: 17576681, 9536098). Algorithms developed to predict the effect of sequence changes on RNA splicing suggest that this variant is not likely to affect RNA splicing. ClinVar contains an entry for this variant (Variation ID: 960919). This variant has not been reported in the literature in individuals affected with PDGFRA-related conditions. This sequence change falls in intron 15 of the PDGFRA gene. It does not directly change the encoded amino acid sequence of the PDGFRA protein. It affects a nucleotide within the consensus splice site.

Literature cited by the submitters: PubMed 17576681; PubMed 9536098.